The following is an entry in ClinVar:

ClinVar aggregate classification (germline): Conflicting classifications of pathogenicity. Review status: criteria provided, conflicting classifications (1 of 4 stars). 3 submissions from 3 submitters: Uncertain significance (2); Likely benign (1). Last evaluated 2025-12-03.

Conditions:
Hereditary nonpolyposis colorectal neoplasms. Identifiers: MedGen C0009405, MeSH D003123.
Lynch syndrome. Identifiers: Orphanet 144, MedGen C4552100, MONDO:0005835. Disease mechanism: loss of function.
Hereditary cancer-predisposing syndrome. Also called: Tumor predisposition; Hereditary neoplastic syndrome; Neoplastic Syndromes, Hereditary; Hereditary Cancer Syndrome. Identifiers: Orphanet 140162, MedGen C0027672, MeSH D009386, MONDO:0015356.

Submissions (3):

Labcorp Genetics (formerly Invitae), Labcorp
Classification: Uncertain significance for Hereditary nonpolyposis colorectal neoplasms. Last evaluated: 2025-12-03. Review status: criteria provided, single submitter. Criteria: Invitae Variant Classification Sherloc (09022015). Collection method: clinical testing. Allele origin: germline.
Comment: This sequence change replaces glutamine, which is neutral and polar, with arginine, which is basic and polar, at codon 402 of the PMS2 protein (p.Gln402Arg). This variant is not present in population databases (gnomAD no frequency). This variant has not been reported in the literature in individuals affected with PMS2-related conditions. ClinVar contains an entry for this variant (Variation ID: 818581). Invitae Evidence Modeling of protein sequence and biophysical properties (such as structural, functional, and spatial information, amino acid conservation, physicochemical variation, residue mobility, and thermodynamic stability) indicates that this missense variant is not expected to disrupt PMS2 protein function with a negative predictive value of 80%. In summary, the available evidence is currently insufficient to determine the role of this variant in disease. Therefore, it has been classified as a Variant of Uncertain Significance.

Ambry Genetics
Classification: Likely benign for Hereditary cancer-predisposing syndrome. Last evaluated: 2024-09-25. Review status: criteria provided, single submitter. Criteria: Ambry Variant Classification Scheme 2023. Collection method: clinical testing. Allele origin: germline.

All of Us Research Program, National Institutes of Health
Classification: Uncertain significance for Lynch syndrome. Last evaluated: 2023-11-20. Review status: criteria provided, single submitter. Criteria: ACMG Guidelines, 2015. Collection method: clinical testing. Allele origin: germline. Inheritance: Autosomal dominant inheritance. Observed: 1 variant allele, 1 heterozygote.
Comment: This missense variant replaces glutamine with arginine at codon 402 of the PMS2 protein. Computational prediction suggests that this variant may not impact protein structure and function (internally defined REVEL score threshold <= 0.5, PMID: 27666373). To our knowledge, functional studies have not been reported for this variant. This variant has not been reported in individuals affected with PMS2-related disorders in the literature. This variant has not been identified in the general population by the Genome Aggregation Database (gnomAD). The available evidence is insufficient to determine the role of this variant in disease conclusively. Therefore, this variant is classified as a Variant of Uncertain Significance.

This study involves interpretation of variants in research participants for the purpose of population health screening. Participant phenotype was not available at the time of variant classification. Additional details can be found in publication PMID: 35346344, PMCID: PMC8962531

NM_000535.7(PMS2):c.1205A>G (p.Gln402Arg)

Gene: PMS2 (PMS1 homolog 2, mismatch repair system component; minus strand). Cytogenetic location: 7p22.1.
Variant type: single nucleotide variant.
Coding change: c.1205A>G on transcript NM_000535.7 (MANE Select); coding-DNA position 1205, A replaced by G.
Protein change: p.Gln402Arg; replaces glutamine 402 with arginine.
Molecular consequence: missense variant. On other transcripts: non-coding transcript variant (1).
Genome position (GRCh38, 1-based): chr7:5,987,560, T>C on the plus strand (A>G on the coding strand, the complement: PMS2 is on the minus strand). VCF-style: chr7-5987560-T-C. GRCh37 (hg19) VCF-style: chr7-6027191-T-C.
Other names: c.800A>G, p.Gln267Arg (NM_001322003.2, NM_001322004.2, NM_001322005.2 and 1 more transcripts); c.1049A>G, p.Gln350Arg (NM_001322006.2); c.887A>G, p.Gln296Arg (NM_001322007.2, NM_001322008.2); c.644A>G, p.Gln215Arg (NM_001322010.2); c.272A>G, p.Gln91Arg (NM_001322011.2, NM_001322012.2); c.632A>G, p.Gln211Arg (NM_001322013.2); c.1205A>G, p.Gln402Arg (NM_001322014.2); c.896A>G, p.Gln299Arg (NM_001322015.2); short protein forms Q211R, Q267R, Q91R, Q215R, Q299R, Q402R, Q296R, Q350R.
Identifiers: ClinVar variation 818581 (VCV000818581.16), dbSNP rs1583323301, ClinGen allele CA366742570.